The following is an entry in ClinVar:

ClinVar aggregate classification (germline): Pathogenic (1 of 4 stars; one submission).

Conditions:
Propionic acidemia (PROP). Also called: GLYCINEMIA, KETOTIC; HYPERGLYCINEMIA WITH KETOACIDOSIS AND LEUKOPENIA; KETOTIC HYPERGLYCINEMIA. Identifiers: Orphanet 35, MedGen C0268579, MONDO:0011628, OMIM 606054, HP:0003571.

Submission:

Myriad Genetics, Inc.
Classification: Pathogenic for Propionic acidemia. Last evaluated: 2025-02-07. Review status: criteria provided, single submitter. Criteria: Myriad Autosomal Dominant, Autosomal Recessive and X-Linked Classification Criteria (2023). Collection method: clinical testing. Allele origin: unknown.
Comment: NM_000282.3(PCCA):c.450dupA(E151Rfs*17) is expected to be pathogenic in the context of PCCA-related propionic acidemia. This variant is predicted to lead to an abnormal or absent protein product due to the creation of a premature termination codon in PCCA, a gene where loss-of-function variants are known to be pathogenic. Please note: this variant was assessed in the context of healthy population screening.

NM_000282.4(PCCA):c.450dup (p.Glu151fs)

Gene: PCCA (propionyl-CoA carboxylase subunit alpha; plus strand). Cytogenetic location: 13q32.3.
Variant type: Duplication.
Coding change: c.450dup on transcript NM_000282.4 (MANE Select); coding-DNA position 450, one base duplicated (A; older notation c.450dupA).
Protein change: p.Glu151fs; shifts the reading frame from glutamic acid 151.
Molecular consequence: frameshift variant. On other transcripts: 5 prime UTR variant (3), non-coding transcript variant (5).
Genome position (GRCh38, 1-based): chr13:100,157,322, A duplicated; the last of 3 consecutive A bases (chr13:100,157,320-100,157,322); duplicating any one gives the same sequence. VCF-style (leftmost placement, unchanged base first): chr13-100157319-C-CA. GRCh37 (hg19) VCF-style: chr13-100809573-C-CA.
Other names: c.372dup, p.Glu125fs (NM_001127692.3, NM_001352607.2, NM_001352608.2); c.450dup, p.Glu151fs (NM_001178004.2, NM_001352605.2, NM_001352606.2 and 1 more transcripts); c.-417dup (NM_001352610.2, NM_001352611.2, NM_001352612.2); short protein forms E125fs, E151fs.
Identifiers: ClinVar variation 5014072 (VCV005014072.1).